The following is an entry in ClinVar:

NM_004415.4(DSP):c.7054C>T (p.Gln2352Ter)

Gene: DSP (desmoplakin; plus strand). Cytogenetic location: 6p24.3.
Variant type: single nucleotide variant.
Coding change: c.7054C>T on transcript NM_004415.4 (MANE Select); coding-DNA position 7054, C replaced by T.
Protein change: p.Gln2352Ter; replaces glutamine 2352 with a stop codon.
Molecular consequence: nonsense.
Genome position (GRCh38, 1-based): chr6:7,584,316, C>T. VCF-style: chr6-7584316-C-T. GRCh37 (hg19) VCF-style: chr6-7584549-C-T.
Other names: c.5257C>T, p.Gln1753Ter (NM_001008844.3); c.5725C>T, p.Gln1909Ter (NM_001319034.2); short protein forms Q1753*, Q1909*, Q2352*.
Identifiers: ClinVar variation 1878877 (VCV001878877.3), dbSNP rs2533943691, ClinGen allele CA362692126.

ClinVar aggregate classification (germline): Pathogenic/Likely pathogenic. Review status: criteria provided, multiple submitters, no conflicts (2 of 4 stars). 2 submissions from 2 submitters: Pathogenic (1); Likely pathogenic (1). Last evaluated 2024-08-22.

Conditions:
Arrhythmogenic cardiomyopathy with wooly hair and keratoderma. Also called: PALMOPLANTAR KERATODERMA WITH LEFT VENTRICULAR CARDIOMYOPATHY AND WOOLLY HAIR; Carvajal syndrome; Arrhythmogenic cardiomyopathy with woolly hair and keratoderma; Dilated cardiomyopathy with woolly hair and keratoderma. Identifiers: Orphanet 65282, MedGen C1854063, MONDO:0011581, OMIM 605676.
Arrhythmogenic right ventricular dysplasia 8 (ARVD8). Also called: ARRHYTHMOGENIC RIGHT VENTRICULAR DYSPLASIA, FAMILIAL, 8; Arrhythmogenic Right Ventricular Dysplasia/Cardiomyopathy 8; ARRHYTHMOGENIC RIGHT VENTRICULAR CARDIOMYOPATHY 8. Identifiers: MedGen C1843896, MONDO:0011831, OMIM 607450.

Allele frequency attached by ClinVar (database versions not stated): gnomAD exomes below 0.00001.
gnomAD v4.1: 1 of 1,614,152 alleles (0.000062%); highest among the groups gnomAD compares: Non-Finnish European, 0.000085%; no homozygotes.

Submissions (2):

Labcorp Genetics (formerly Invitae), Labcorp
Classification: Pathogenic for Arrhythmogenic cardiomyopathy with wooly hair and keratoderma; Arrhythmogenic right ventricular dysplasia 8. Last evaluated: 2024-08-22. Review status: criteria provided, single submitter. Criteria: Invitae Variant Classification Sherloc (09022015). Collection method: clinical testing. Allele origin: germline.
Comment: This sequence change creates a premature translational stop signal (p.Gln2352*) in the DSP gene. While this is not anticipated to result in nonsense mediated decay, it is expected to disrupt the last 520 amino acid(s) of the DSP protein. This variant is not present in population databases (gnomAD no frequency). This variant has not been reported in the literature in individuals affected with DSP-related conditions. ClinVar contains an entry for this variant (Variation ID: 1878877). This variant disrupts a region of the DSP protein in which other variant(s) (p.Gln2730Serfs*16) have been determined to be pathogenic (PMID: 28527814; internal data). This suggests that this is a clinically significant region of the protein, and that variants that disrupt it are likely to be disease-causing. For these reasons, this variant has been classified as Pathogenic.

GeneDx
Classification: Likely pathogenic. Last evaluated: 2022-12-23. Review status: criteria provided, single submitter. Criteria: GeneDx Variant Classification Process June 2021. Collection method: clinical testing. Allele origin: germline. Affected: yes.
Comment: Nonsense variant predicted to result in protein truncation or nonsense mediated decay in a gene for which loss of function is a known mechanism of disease; Not observed at significant frequency in large population cohorts (gnomAD); Has not been previously published as pathogenic or benign to our knowledge

Literature cited by the submitters: PubMed 28527814 (cited by Labcorp Genetics (formerly Invitae), Labcorp).